The following is an entry in ClinVar:

ClinVar aggregate classification (germline): Pathogenic (1 of 4 stars; one submission).

Conditions:
Mucopolysaccharidosis, MPS-IV-B (MPS4B). Also called: Mucopolysaccharidosis type 4B; Mucopolysaccharidosis type IVB (Morquio); MPS IVB; MORQUIO SYNDROME B; Mucopolysaccharidosis type IV B; Mucopolysaccharidosis Type IVB. Identifiers: Orphanet 309310, Orphanet 582, MedGen C0086652, MONDO:0009660, OMIM 253010.
GM1 gangliosidosis. Identifiers: Orphanet 354, MedGen C0085131, MONDO:0018149.

Submission:

Labcorp Genetics (formerly Invitae), Labcorp
Classification: Pathogenic for Mucopolysaccharidosis, MPS-IV-B; GM1 gangliosidosis. Last evaluated: 2023-05-27. Review status: criteria provided, single submitter. Criteria: Invitae Variant Classification Sherloc (09022015). Collection method: clinical testing. Allele origin: germline.
Comment: For these reasons, this variant has been classified as Pathogenic. This variant has not been reported in the literature in individuals affected with GLB1-related conditions. This variant is not present in population databases (gnomAD no frequency). This sequence change creates a premature translational stop signal (p.Glu143Argfs*44) in the GLB1 gene. It is expected to result in an absent or disrupted protein product. Loss-of-function variants in GLB1 are known to be pathogenic (PMID: 18524657).

Literature cited by the submitters: PubMed 18524657.

NM_000404.4(GLB1):c.426dup (p.Glu143fs)

Gene: GLB1 (galactosidase beta 1; minus strand). Cytogenetic location: 3p22.3.
Variant type: Duplication.
Coding change: c.426dup on transcript NM_000404.4 (MANE Select); coding-DNA position 426, one base duplicated (A; older notation c.426dupA).
Protein change: p.Glu143fs; shifts the reading frame from glutamic acid 143.
Molecular consequence: frameshift variant. On other transcripts: intron variant (1).
Genome position (GRCh38, 1-based): chr3:33,068,261, T duplicated on the plus strand (A on the coding strand, the reverse complement: GLB1 is on the minus strand); the first of 3 consecutive T bases (chr3:33,068,261-33,068,263); duplicating any one gives the same sequence. VCF-style (leftmost placement, unchanged base first): chr3-33068260-C-CT. GRCh37 (hg19) VCF-style: chr3-33109752-C-CT.
Other names: c.426dup, p.Glu143fs (NM_001393580.1); c.246-2704dup (NM_001135602.3); c.336dup, p.Glu113fs (NM_001079811.3); c.570dup, p.Glu191fs (NM_001317040.2); short protein forms E113fs, E143fs, E191fs.
Identifiers: ClinVar variation 2948270 (VCV002948270.3), dbSNP rs1553612150, ClinGen allele CA2740094337.